The following is an entry in ClinVar:

ClinVar aggregate classification (germline): Uncertain significance (1 of 4 stars; one submission).

Allele frequency attached by ClinVar (database versions not stated): gnomAD 0.00001.
gnomAD v4.1: 2 of 1,612,458 alleles (0.00012%); highest among the groups gnomAD compares: Admixed American, 0.0017%; no homozygotes.

Submission:

Labcorp Genetics (formerly Invitae), Labcorp
Classification: Uncertain significance. Last evaluated: 2022-04-22. Review status: criteria provided, single submitter. Criteria: Invitae Variant Classification Sherloc (09022015). Collection method: clinical testing. Allele origin: germline.
Comment: In summary, the available evidence is currently insufficient to determine the role of this variant in disease. Therefore, it has been classified as a Variant of Uncertain Significance. Algorithms developed to predict the effect of missense changes on protein structure and function (SIFT, PolyPhen-2, Align-GVGD) all suggest that this variant is likely to be tolerated. This variant has not been reported in the literature in individuals affected with ABHD5-related conditions. This variant is not present in population databases (gnomAD no frequency). This sequence change replaces phenylalanine, which is neutral and non-polar, with leucine, which is neutral and non-polar, at codon 240 of the ABHD5 protein (p.Phe240Leu).

NM_016006.6(ABHD5):c.720C>G (p.Phe240Leu)

Gene: ABHD5 (abhydrolase domain containing 5, lysophosphatidic acid acyltransferase; plus strand). Cytogenetic location: 3p21.33.
Variant type: single nucleotide variant.
Coding change: c.720C>G on transcript NM_016006.6 (MANE Select); coding-DNA position 720, C replaced by G.
Protein change: p.Phe240Leu; replaces phenylalanine 240 with leucine.
Molecular consequence: missense variant.
Genome position (GRCh38, 1-based): chr3:43,715,005, C>G. VCF-style: chr3-43715005-C-G. GRCh37 (hg19) VCF-style: chr3-43756497-C-G.
Other names: c.720C>G, p.Phe240Leu (NM_001355186.2, NM_001365650.1); c.597C>G, p.Phe199Leu (NM_001365649.1); short protein forms F199L, F240L.
Identifiers: ClinVar variation 2103246 (VCV002103246.4), dbSNP rs2084743745, ClinGen allele CA352347261.
Genomic context (GRCh38, chr3:43,715,005, plus strand): 5'-AGGTTTAAGTCTAGTGCAGCGTTTAAGGCCTGATTTCAAACGAAAGTATTCTTCAATGTT[C>G]GAAGACGATACTGTGACAGAATACATCTACCACTGTAATGTGCAGACTCCAAGGTGAGGG-3'
Protein context (NP_057090.2, residues 230-250): PDFKRKYSSM[Phe240Leu]EDDTVTEYIY